The following is an entry in ClinVar:

NM_182916.3(TRNT1):c.31C>T (p.Pro11Ser)

Gene: TRNT1 (tRNA nucleotidyl transferase 1; plus strand). Cytogenetic location: 3p26.2.
Variant type: single nucleotide variant.
Coding change: c.31C>T on transcript NM_182916.3 (MANE Select); coding-DNA position 31, C replaced by T.
Protein change: p.Pro11Ser; replaces proline 11 with serine.
Molecular consequence: missense variant. On other transcripts: non-coding transcript variant (11).
Genome position (GRCh38, 1-based): chr3:3,129,071, C>T. VCF-style: chr3-3129071-C-T. GRCh37 (hg19) VCF-style: chr3-3170755-C-T.
Other names: c.31C>T, p.Pro11Ser (NM_001302946.2, NM_001367321.1, NM_001367322.1 and 1 more transcripts); short protein forms P11S.
Identifiers: ClinVar variation 2001044 (VCV002001044.4), dbSNP rs769556416, ClinGen allele CA351442152.

ClinVar aggregate classification (germline): Uncertain significance (1 of 4 stars; one submission).

Conditions:
Congenital sideroblastic anemia-B-cell immunodeficiency-periodic fever-developmental delay syndrome. Also called: Sideroblastic anemia with B-cell immunodeficiency, periodic fevers, and developmental delay. Identifiers: Orphanet 369861, MedGen C4015172, MONDO:0014487, OMIM 616084.

Submission:

Labcorp Genetics (formerly Invitae), Labcorp
Classification: Uncertain significance for Congenital sideroblastic anemia-B-cell immunodeficiency-periodic fever-developmental delay syndrome. Last evaluated: 2022-06-14. Review status: criteria provided, single submitter. Criteria: Invitae Variant Classification Sherloc (09022015). Collection method: clinical testing. Allele origin: germline.
Comment: In summary, the available evidence is currently insufficient to determine the role of this variant in disease. Therefore, it has been classified as a Variant of Uncertain Significance. Algorithms developed to predict the effect of sequence changes on RNA splicing suggest that this variant may create or strengthen a splice site. Algorithms developed to predict the effect of missense changes on protein structure and function (SIFT, PolyPhen-2, Align-GVGD) all suggest that this variant is likely to be tolerated. This variant has not been reported in the literature in individuals affected with TRNT1-related conditions. This variant is not present in population databases (gnomAD no frequency). This sequence change replaces proline, which is neutral and non-polar, with serine, which is neutral and polar, at codon 11 of the TRNT1 protein (p.Pro11Ser).